The following is an entry in ClinVar:

NM_024642.5(GALNT12):c.346C>A (p.Arg116Ser)

Gene: GALNT12 (polypeptide N-acetylgalactosaminyltransferase 12; plus strand). Cytogenetic location: 9q22.33.
Variant type: single nucleotide variant.
Coding change: c.346C>A on transcript NM_024642.5 (MANE Select); coding-DNA position 346, C replaced by A.
Protein change: p.Arg116Ser; replaces arginine 116 with serine.
Molecular consequence: missense variant.
Genome position (GRCh38, 1-based): chr9:98,808,044, C>A. VCF-style: chr9-98808044-C-A. GRCh37 (hg19) VCF-style: chr9-101570326-C-A.
Other names: short protein forms R116S.
Identifiers: ClinVar variation 3852660 (VCV003852660.1).

ClinVar aggregate classification (germline): Uncertain significance (1 of 4 stars; one submission).

Submission:

Ambry Genetics
Classification: Uncertain significance. Last evaluated: 2024-12-25. Review status: criteria provided, single submitter. Criteria: Ambry Variant Classification Scheme 2023. Collection method: clinical testing. Allele origin: germline.
Comment: The p.R116S variant (also known as c.346C>A), located in coding exon 1 of the GALNT12 gene, results from a C to A substitution at nucleotide position 346. The arginine at codon 116 is replaced by serine, an amino acid with dissimilar properties. This amino acid position is conserved. In addition, this alteration is predicted to be tolerated by in silico analysis. Based on the available evidence, the clinical significance of this variant remains unclear.